The following is an entry in ClinVar:

NM_001165963.4(SCN1A):c.4002+2627_4002+2628del

Genes: SCN1A (sodium voltage-gated channel alpha subunit 1; minus strand), LOC102724058 (uncharacterized LOC102724058; plus strand). Cytogenetic location: 2q24.3.
Variant type: Deletion.
Coding change: c.4002+2627_4002+2628del on transcript NM_001165963.4 (MANE Select); bases 2627 to 2628 of the intron after coding-DNA position 4002, 2 bases deleted (TT; older notation c.4002+2627_4002+2628delTT).
Molecular consequence: intron variant.
Genome position (GRCh38, 1-based): chr2:166,007,091-166,007,092, AA deleted on the plus strand (TT on the coding strand, the reverse complement: SCN1A is on the minus strand); deleting any 2 consecutive bases within chr2:166,007,091-166,007,094 gives the same sequence; the c. name uses the placement nearest the transcript's 3' end. VCF-style (leftmost placement, unchanged base first): chr2-166007090-GAA-G. GRCh37 (hg19) VCF-style: chr2-166863600-GAA-G.
Other names: c.3969+2627_3969+2628del (NM_001353949.2, NM_001353950.2, NM_001353951.2 and 2 more transcripts); c.3918+2627_3918+2628del (NM_001353958.2, NM_001353957.2, NM_001165964.3); c.4002+2627_4002+2628del (NM_001202435.3, NM_001353948.2); c.3966+2627_3966+2628del (NM_001353955.2, NM_001353954.2); c.3915+2627_3915+2628del (NM_001353960.2); c.1560+2627_1560+2628del (NM_001353961.2).
Identifiers: ClinVar variation 1674830 (VCV001674830.9), dbSNP rs1462666494, ClinGen allele CA760220646.
Genomic context (GRCh38, chr2:166,007,090, plus strand): 5'-ATCCACAGAGGGTAAATTCATAAAGGTTTTTTTTTTTTTCAAATGAAATTTAAGACAATT[GAA>G]AAGAGGGGATTAGGATGTAAATAATGTATTTTCCCTACTGTGGTGCAATAATAGTACCCT-3'

ClinVar aggregate classification (germline): Uncertain significance (1 of 4 stars; one submission).

Conditions:
Early-infantile DEE. Also called: Early infantile epileptic encephalopathy; Ohtahara syndrome; Early infantile epileptic encephalopathy with suppression bursts. Identifiers: Orphanet 1934, MedGen C0393706, MONDO:0800491.

Submission:

Labcorp Genetics (formerly Invitae), Labcorp
Classification: Uncertain significance for Early-infantile DEE. Last evaluated: 2025-12-22. Review status: criteria provided, single submitter. Criteria: Invitae Variant Classification Sherloc (09022015). Collection method: clinical testing. Allele origin: germline.
Comment: This sequence change falls in intron 20 of the SCN1A gene. It does not directly change the encoded amino acid sequence of the SCN1A protein. However, this sequence change falls within a region encompassing a cryptic exon in the SCN1A gene, in which variants have been shown to alter splicing (PMID: 30526861, 34107977). This variant is not present in population databases (gnomAD no frequency). This variant has not been reported in the literature in individuals affected with SCN1A-related conditions. ClinVar contains an entry for this variant (Variation ID: 1674830). Algorithms developed to predict the effect of sequence changes on RNA splicing suggest that this variant is not likely to affect RNA splicing. In summary, the available evidence is currently insufficient to determine the role of this variant in disease. Therefore, it has been classified as a Variant of Uncertain Significance.

Literature cited by the submitters: PubMed 30526861; PubMed 34107977.